The following is an entry in ClinVar:

NM_201402.3(USP17L2):c.786G>T (p.Pro262=)

Genes: FAM66D (family with sequence similarity 66 member D), USP17L2 (ubiquitin specific peptidase 17 like family member 2; minus strand). Cytogenetic location: 8p23.1.
Variant type: single nucleotide variant.
Coding change: c.786G>T on transcript NM_201402.3 (MANE Select); coding-DNA position 786, G replaced by T.
Protein change: p.Pro262=; no amino-acid change (proline 262 retained).
Molecular consequence: synonymous variant.
Genome position (GRCh38, 1-based): chr8:12,137,975, C>A on the plus strand (G>T on the coding strand, the complement: USP17L2 is on the minus strand). VCF-style: chr8-12137975-C-A. GRCh37 (hg19) VCF-style: chr8-11995484-C-A.
Identifiers: ClinVar variation 4280989 (VCV004280989.7).

ClinVar aggregate classification (germline): Likely benign (1 of 4 stars; one submission).

Submission:

CeGaT Center for Human Genetics Tuebingen
Classification: Likely benign. Last evaluated: 2025-09-01. Review status: criteria provided, single submitter. Criteria: CeGaT Center For Human Genetics Tuebingen Variant Classification Criteria Version 2. Collection method: clinical testing. Allele origin: germline. Affected: yes. Observed: 1 variant allele.
Comment: USP17L2: BP4, BP7